The following is an entry in ClinVar:

ClinVar aggregate classification (germline): Likely pathogenic (1 of 4 stars; one submission).

Conditions:
Inherited polyposis and early onset colorectal cancer - germline testing.

Submission:

Cambridge Genomics Laboratory, East Genomic Laboratory Hub, NHS Genomic Medicine Service
Classification: Likely pathogenic for Inherited polyposis and early onset colorectal cancer - germline testing. Last evaluated: 2026-09-22. Review status: criteria provided, single submitter. Criteria: ACGS Best Practice Guidelines for Variant Classification in Rare Disease 2020. Collection method: clinical testing. Allele origin: germline. Affected: yes.
Comment: PVS1_Strong,PM2

NM_004329.3(BMPR1A):c.1337del (p.Thr446fs)

Gene: BMPR1A (bone morphogenetic protein receptor type 1A; plus strand). Cytogenetic location: 10q23.2.
Variant type: Deletion.
Coding change: c.1337del on transcript NM_004329.3 (MANE Select); coding-DNA position 1337, one base deleted (C; older notation c.1337delC).
Protein change: p.Thr446fs; shifts the reading frame from threonine 446.
Molecular consequence: frameshift variant. On other transcripts: non-coding transcript variant (3).
Genome position (GRCh38, 1-based): chr10:86,921,690, C deleted. VCF-style (leftmost placement, unchanged base first): chr10-86921689-AC-A. GRCh37 (hg19) VCF-style: chr10-88681446-AC-A.
Other names: c.1412del, p.Thr471fs (NM_001406559.1); c.1385del, p.Thr462fs (NM_001406560.1); c.1337del, p.Thr446fs (NM_001406561.1, NM_001406562.1, NM_001406563.1 and 19 more transcripts); c.1331del, p.Thr444fs (NM_001406583.1); c.1253del, p.Thr418fs (NM_001406584.1, NM_001406585.1, NM_001406586.1 and 2 more transcripts); c.995del, p.Thr332fs (NM_001406589.1); short protein forms T332fs, T418fs, T444fs, T446fs, T462fs, T471fs.
Identifiers: ClinVar variation 5016523 (VCV005016523.1).